The following is an entry in ClinVar:

ClinVar aggregate classification (germline): Pathogenic (1 of 4 stars; one submission).

Submission:

Labcorp Genetics (formerly Invitae), Labcorp
Classification: Pathogenic. Last evaluated: 2024-05-10. Review status: criteria provided, single submitter. Criteria: Invitae Variant Classification Sherloc (09022015). Collection method: clinical testing. Allele origin: germline.
Comment: This sequence change creates a premature translational stop signal (p.Gln68Glyfs*62) in the LTBP4 gene. It is expected to result in an absent or disrupted protein product. Loss-of-function variants in LTBP4 are known to be pathogenic (PMID: 19836010, 22829427). This variant is present in population databases (no rsID available, gnomAD 0.007%). This variant has not been reported in the literature in individuals affected with LTBP4-related conditions. ClinVar contains an entry for this variant (Variation ID: 2035317). For these reasons, this variant has been classified as Pathogenic.

Literature cited by the submitters: PubMed 19836010; PubMed 22829427.

NM_003573.2(LTBP4):c.202_203del (p.Gln68fs)

Gene: LTBP4 (latent transforming growth factor beta binding protein 4; plus strand). Cytogenetic location: 19q13.2.
Variant type: Deletion.
Coding change: c.202_203del on transcript NM_003573.2; coding-DNA positions 202 to 203, 2 bases deleted (CA; older notation c.202_203delCA).
Protein change: p.Gln68fs; shifts the reading frame from glutamine 68.
Molecular consequence: frameshift variant.
Genome position (GRCh38, 1-based): chr19:40,599,528-40,599,529, CA deleted; deleting any 2 consecutive bases within chr19:40,599,527-40,599,529 gives the same sequence; the c. name uses the placement nearest the transcript's 3' end. VCF-style (leftmost placement, unchanged base first): chr19-40599526-GAC-G. GRCh37 (hg19) VCF-style: chr19-41105432-GAC-G.
Other names: c.313_314del, p.Gln105fs (NM_001042544.1); short protein forms Q68fs, Q105fs.
Identifiers: ClinVar variation 2035317 (VCV002035317.4), dbSNP rs1321935316, ClinGen allele CA633121474.